The following is an entry in ClinVar:

NM_030665.4(RAI1):c.445A>C (p.Thr149Pro)

Gene: RAI1 (retinoic acid induced 1; plus strand). Cytogenetic location: 17p11.2.
Variant type: single nucleotide variant.
Coding change: c.445A>C on transcript NM_030665.4 (MANE Select); coding-DNA position 445, A replaced by C.
Protein change: p.Thr149Pro; replaces threonine 149 with proline.
Molecular consequence: missense variant.
Genome position (GRCh38, 1-based): chr17:17,793,393, A>C. VCF-style: chr17-17793393-A-C. GRCh37 (hg19) VCF-style: chr17-17696707-A-C.
Other names: short protein forms T149P.
Identifiers: ClinVar variation 2800432 (VCV002800432.3), dbSNP rs2032096743, ClinGen allele CA398545478.

ClinVar aggregate classification (germline): Uncertain significance (1 of 4 stars; one submission).

Allele frequency attached by ClinVar (database versions not stated): TOPMed 0.00001.

Submission:

Labcorp Genetics (formerly Invitae), Labcorp
Classification: Uncertain significance. Last evaluated: 2026-02-02. Review status: criteria provided, single submitter. Criteria: Invitae Variant Classification Sherloc (09022015). Collection method: clinical testing. Allele origin: germline.
Comment: This sequence change replaces threonine, which is neutral and polar, with proline, which is neutral and non-polar, at codon 149 of the RAI1 protein (p.Thr149Pro). This variant is not present in population databases (gnomAD no frequency). This variant has not been reported in the literature in individuals affected with RAI1-related conditions. ClinVar contains an entry for this variant (Variation ID: 2800432). An algorithm developed to predict the effect of missense changes on protein structure and function (PolyPhen-2) suggests that this variant is likely to be tolerated. In summary, the available evidence is currently insufficient to determine the role of this variant in disease. Therefore, it has been classified as a Variant of Uncertain Significance.